The following is an entry in ClinVar:

NM_005901.6(SMAD2):c.626G>C (p.Gly209Ala)

Gene: SMAD2 (SMAD family member 2; minus strand). Cytogenetic location: 18q21.1.
Variant type: single nucleotide variant.
Coding change: c.626G>C on transcript NM_005901.6 (MANE Select); coding-DNA position 626, G replaced by C.
Protein change: p.Gly209Ala; replaces glycine 209 with alanine.
Molecular consequence: missense variant.
Genome position (GRCh38, 1-based): chr18:47,868,352, C>G on the plus strand (G>C on the coding strand, the complement: SMAD2 is on the minus strand). VCF-style: chr18-47868352-C-G. GRCh37 (hg19) VCF-style: chr18-45394723-C-G.
Other names: c.626G>C, p.Gly209Ala (NM_001003652.4); c.536G>C, p.Gly179Ala (NM_001135937.3); short protein forms G179A, G209A.
Identifiers: ClinVar variation 2763328 (VCV002763328.3), dbSNP rs2511349264, ClinGen allele CA402501567.
Genomic context (GRCh38, chr18:47,868,352, plus strand): 5'-AAGTTTTAGGAGATTCAGAAGGCAAAAATACCTGGAATATAATTACTCTGTGGCTCAATT[C>G]CTGCTGGGAAGTTAGTGTTTTCTGGAATGGAGTGAGTATAGTCATCCAGAGGCGGAAGTT-3'
Protein context (NP_005892.1, residues 199-219): SIPENTNFPA[Gly209Ala]IEPQSNYIPE

ClinVar aggregate classification (germline): Uncertain significance (1 of 4 stars; one submission).

gnomAD v4.1: 2 of 1,612,934 alleles (0.00012%); highest among the groups gnomAD compares: Non-Finnish European, 0.00017%; no homozygotes.

Submission:

Labcorp Genetics (formerly Invitae), Labcorp
Classification: Uncertain significance. Last evaluated: 2023-09-25. Review status: criteria provided, single submitter. Criteria: Invitae Variant Classification Sherloc (09022015). Collection method: clinical testing. Allele origin: germline.
Comment: This variant is not present in population databases (gnomAD no frequency). In summary, the available evidence is currently insufficient to determine the role of this variant in disease. Therefore, it has been classified as a Variant of Uncertain Significance. Advanced modeling of protein sequence and biophysical properties (such as structural, functional, and spatial information, amino acid conservation, physicochemical variation, residue mobility, and thermodynamic stability) performed at Invitae indicates that this missense variant is not expected to disrupt SMAD2 protein function. This variant has not been reported in the literature in individuals affected with SMAD2-related conditions. This sequence change replaces glycine, which is neutral and non-polar, with alanine, which is neutral and non-polar, at codon 209 of the SMAD2 protein (p.Gly209Ala).